The following is an entry in ClinVar:

ClinVar aggregate classification (germline): Uncertain significance. Review status: criteria provided, multiple submitters, no conflicts (2 of 4 stars). 2 submissions from 2 submitters: Uncertain significance (2). Last evaluated 2024-04-14.

Conditions:
Familial X-linked hypophosphatemic vitamin D refractory rickets (XLHRD). Also called: X-Linked Hypophosphatemia; Hypophosphatemia, vitamin D-resistant rickets; Vitamin D-resistant rickets, X-linked; HYPOPHOSPHATEMIC VITAMIN D-RESISTANT RICKETS; Hypophosphatemic Rickets, X-Linked Dominant. Identifiers: Orphanet 89936, MedGen C0733682, MONDO:0010619, OMIM 307800.

Allele frequency attached by ClinVar (database versions not stated): gnomAD exomes below 0.00001; TOPMed below 0.00001; gnomAD 0.00001.
gnomAD v4.1: 4 of 1,200,941 alleles (0.00033%); highest among the groups gnomAD compares: East Asian, 0.0089%; no homozygotes.

Submissions (2):

Fulgent Genetics
Classification: Uncertain significance for Familial X-linked hypophosphatemic vitamin D refractory rickets. Last evaluated: 2024-04-14. Review status: criteria provided, single submitter. Criteria: ACMG Guidelines, 2015. Collection method: clinical testing. Allele origin: germline.

Labcorp Genetics (formerly Invitae), Labcorp
Classification: Uncertain significance. Last evaluated: 2023-12-27. Review status: criteria provided, single submitter. Criteria: Invitae Variant Classification Sherloc (09022015). Collection method: clinical testing. Allele origin: germline.
Comment: This sequence change replaces alanine, which is neutral and non-polar, with threonine, which is neutral and polar, at codon 135 of the PHEX protein (p.Ala135Thr). This variant is not present in population databases (gnomAD no frequency). This variant has not been reported in the literature in individuals affected with PHEX-related conditions. Advanced modeling of protein sequence and biophysical properties (such as structural, functional, and spatial information, amino acid conservation, physicochemical variation, residue mobility, and thermodynamic stability) performed at Invitae indicates that this missense variant is expected to disrupt PHEX protein function with a positive predictive value of 80%. In summary, the available evidence is currently insufficient to determine the role of this variant in disease. Therefore, it has been classified as a Variant of Uncertain Significance.

NM_000444.6(PHEX):c.403G>A (p.Ala135Thr)

Gene: PHEX (phosphate regulating endopeptidase X-linked; plus strand). Cytogenetic location: Xp22.11.
Variant type: single nucleotide variant.
Coding change: c.403G>A on transcript NM_000444.6 (MANE Select); coding-DNA position 403, G replaced by A.
Protein change: p.Ala135Thr; replaces alanine 135 with threonine.
Molecular consequence: missense variant.
Genome position (GRCh38, 1-based): chrX:22,076,441, G>A. VCF-style: chrX-22076441-G-A. GRCh37 (hg19) VCF-style: chrX-22094559-G-A.
Other names: c.403G>A, p.Ala135Thr (NM_001282754.2); short protein forms A135T.
Identifiers: ClinVar variation 3022616 (VCV003022616.4), dbSNP rs1037767064, ClinGen allele CA327520774.